The following is an entry in ClinVar:

ClinVar aggregate classification (germline): Conflicting classifications of pathogenicity. Review status: criteria provided, conflicting classifications (1 of 4 stars). 4 submissions from 4 submitters: Uncertain significance (3); Likely benign (1). Last evaluated 2025-12-15.

Conditions:
Hereditary cancer-predisposing syndrome. Also called: Hereditary Cancer Syndrome; Neoplastic Syndromes, Hereditary; Tumor predisposition; Hereditary neoplastic syndrome. Identifiers: Orphanet 140162, MedGen C0027672, MeSH D009386, MONDO:0015356.
Hereditary diffuse gastric adenocarcinoma (HDGC). Also called: DIFFUSE GASTRIC AND LOBULAR BREAST CANCER SYNDROME. Identifiers: Orphanet 26106, MedGen C1708349, MONDO:0007648, OMIM 137215.

Allele frequency attached by ClinVar (database versions not stated): gnomAD exomes below 0.00001; TOPMed below 0.00001.
gnomAD v4.1: 1 of 1,614,226 alleles (0.000062%); highest among the groups gnomAD compares: Non-Finnish European, 0.000085%; no homozygotes.

Submissions (4):

Labcorp Genetics (formerly Invitae), Labcorp
Classification: Uncertain significance for Hereditary diffuse gastric adenocarcinoma. Last evaluated: 2025-12-15. Review status: criteria provided, single submitter. Criteria: Invitae Variant Classification Sherloc (09022015). Collection method: clinical testing. Allele origin: germline.
Comment: This sequence change replaces glutamine, which is neutral and polar, with histidine, which is basic and polar, at codon 511 of the CDH1 protein (p.Gln511His). This variant is not present in population databases (gnomAD no frequency). This variant has not been reported in the literature in individuals affected with CDH1-related conditions. ClinVar contains an entry for this variant (Variation ID: 230034). An algorithm developed to predict the effect of missense changes on protein structure and function (PolyPhen-2) suggests that this variant is likely to be disruptive. In summary, the available evidence is currently insufficient to determine the role of this variant in disease. Therefore, it has been classified as a Variant of Uncertain Significance.

Ambry Genetics
Classification: Likely benign for Hereditary cancer-predisposing syndrome. Last evaluated: 2024-10-01. Review status: criteria provided, single submitter. Criteria: Ambry Variant Classification Scheme 2023. Collection method: clinical testing. Allele origin: germline.

Color Diagnostics, LLC DBA Color Health
Classification: Uncertain significance for Hereditary cancer-predisposing syndrome. Last evaluated: 2023-12-04. Review status: criteria provided, single submitter. Criteria: ACMG Guidelines, 2015. Collection method: clinical testing. Allele origin: germline.
Comment: This missense variant replaces glutamine with histidine at codon 511 of the CDH1 protein. To our knowledge, functional studies have not been reported for this variant. This variant has not been reported in individuals affected with CDH1-related disorders in the literature. This variant has not been identified in the general population by the Genome Aggregation Database (gnomAD). The available evidence is insufficient to determine the role of this variant in disease conclusively. Therefore, this variant is classified as a Variant of Uncertain Significance.

Quest Diagnostics Nichols Institute San Juan Capistrano
Classification: Uncertain significance. Last evaluated: 2017-12-01. Review status: criteria provided, single submitter. Criteria: Quest Diagnostics criteria. Collection method: clinical testing. Allele origin: germline.

NM_004360.5(CDH1):c.1533G>T (p.Gln511His)

Gene: CDH1 (cadherin 1; plus strand). Cytogenetic location: 16q22.1.
Variant type: single nucleotide variant.
Coding change: c.1533G>T on transcript NM_004360.5 (MANE Select); coding-DNA position 1533, G replaced by T.
Protein change: p.Gln511His; replaces glutamine 511 with histidine.
Molecular consequence: missense variant. On other transcripts: 5 prime UTR variant (2).
Genome position (GRCh38, 1-based): chr16:68,815,727, G>T. VCF-style: chr16-68815727-G-T. GRCh37 (hg19) VCF-style: chr16-68849630-G-T.
Other names: c.1533G>T (LRG_301t1); c.1350G>T, p.Gln450His (NM_001317184.2); c.-16G>T (NM_001317185.2); c.-287G>T (NM_001317186.2); short protein forms Q511H, Q450H.
Identifiers: ClinVar variation 230034 (VCV000230034.17), dbSNP rs876658342, ClinGen allele CA10580120.